The following is an entry in ClinVar:

NM_001942.4(DSG1):c.690C>T (p.Tyr230=)

Gene: DSG1 (desmoglein 1; plus strand). Cytogenetic location: 18q12.1.
Variant type: single nucleotide variant.
Coding change: c.690C>T on transcript NM_001942.4 (MANE Select); coding-DNA position 690, C replaced by T.
Protein change: p.Tyr230=; no amino-acid change (tyrosine 230 retained).
Molecular consequence: synonymous variant.
Genome position (GRCh38, 1-based): chr18:31,333,594, C>T. VCF-style: chr18-31333594-C-T. GRCh37 (hg19) VCF-style: chr18-28913557-C-T.
Identifiers: ClinVar variation 1588112 (VCV001588112.30), dbSNP rs781133396, ClinGen allele CA8925925.
Genomic context (GRCh38, chr18:31,333,594, plus strand): 5'-CAAAGTAAAGGCTGTCTACGTCAAGTGTGATATTGCCTGTAATATGTATTTTTAGCAATA[C>T]GGCCAGTATGCTCTTGCTGTAAGAGGCTCTGACCGAGATGGCGGGGCAGATGGCATGTCA-3'
Protein context (NP_001933.2, residues 220-240): TMNNFLDREQ[Tyr230=]GQYALAVRGS

ClinVar aggregate classification (germline): Likely benign. Review status: criteria provided, multiple submitters, no conflicts (2 of 4 stars). 2 submissions from 2 submitters: Likely benign (2). Last evaluated 2024-05-10.

Allele frequency attached by ClinVar (database versions not stated): gnomAD 0.00001; gnomAD exomes 0.00002 and 0.00003; TOPMed 0.00003; ExAC 0.00004.
gnomAD v4.1: 39 of 1,613,634 alleles (0.0024%); highest among the groups gnomAD compares: South Asian, 0.0099%; no homozygotes.

Submissions (2):

Labcorp Genetics (formerly Invitae), Labcorp
Classification: Likely benign. Last evaluated: 2024-05-10. Review status: criteria provided, single submitter. Criteria: Invitae Variant Classification Sherloc (09022015). Collection method: clinical testing. Allele origin: germline.

CeGaT Center for Human Genetics Tuebingen
Classification: Likely benign. Last evaluated: 2022-10-01. Review status: criteria provided, single submitter. Criteria: CeGaT Center For Human Genetics Tuebingen Variant Classification Criteria Version 2. Collection method: clinical testing. Allele origin: germline. Affected: yes. Observed: 2 variant alleles.
Comment: DSG1: BP4, BP7